The following is an entry in ClinVar:

ClinVar aggregate classification (germline): Uncertain significance (1 of 4 stars; one submission).

Submission:

Center for Genomic Medicine, Rigshospitalet, Copenhagen University Hospital
Classification: Uncertain significance. Last evaluated: 2025-12-29. Review status: criteria provided, single submitter. Criteria: ACMG Guidelines, 2015. Collection method: clinical testing. Allele origin: germline.
Comment: Classification criteria: PM2_supporting, BP1

NM_000038.6(APC):c.5052T>G (p.Phe1684Leu)

Gene: APC (APC regulator of Wnt signaling pathway; plus strand). Cytogenetic location: 5q22.2.
Variant type: single nucleotide variant.
Coding change: c.5052T>G on transcript NM_000038.6 (MANE Select); coding-DNA position 5052, T replaced by G.
Protein change: p.Phe1684Leu; replaces phenylalanine 1684 with leucine.
Molecular consequence: missense variant. On other transcripts: non-coding transcript variant (2).
Genome position (GRCh38, 1-based): chr5:112,840,646, T>G. VCF-style: chr5-112840646-T-G. GRCh37 (hg19) VCF-style: chr5-112176343-T-G.
Other names: c.4968T>G, p.Phe1656Leu (NM_001354899.2); c.4929T>G, p.Phe1643Leu (NM_001354900.2); c.4875T>G, p.Phe1625Leu (NM_001354901.2, NM_001407453.1); c.4779T>G, p.Phe1593Leu (NM_001354902.2); c.4749T>G, p.Phe1583Leu (NM_001354903.2, NM_001407458.1, NM_001407459.1 and 1 more transcripts); c.4674T>G, p.Phe1558Leu (NM_001354904.2); c.4572T>G, p.Phe1524Leu (NM_001354905.2); c.4203T>G, p.Phe1401Leu (NM_001354906.2, NM_001407470.1); and 11 more; short protein forms F1300L, F1401L, F1524L, F1555L, F1558L, F1583L, F1593L, F1601L.
Identifiers: ClinVar variation 4539460 (VCV004539460.1).
Genomic context (GRCh38, chr5:112,840,646, plus strand): 5'-CCCTCCAAATGAGTTAGCTGCTGGAGAAGGAGTTAGAGGAGGGGCACAGTCAGGTGAATT[T>G]GAAAAACGAGATACCATTCCTACAGAAGGCAGAAGTACAGATGAGGCTCAAGGAGGAAAA-3'
Protein context (NP_000029.2, residues 1674-1694): GVRGGAQSGE[Phe1684Leu]EKRDTIPTEG